The following is an entry in ClinVar:

NM_000722.4(CACNA2D1):c.904A>G (p.Ser302Gly)

Gene: CACNA2D1 (calcium voltage-gated channel auxiliary subunit alpha2delta 1; minus strand). Cytogenetic location: 7q21.11.
Variant type: single nucleotide variant.
Coding change: c.904A>G on transcript NM_000722.4 (MANE Select); coding-DNA position 904, A replaced by G.
Protein change: p.Ser302Gly; replaces serine 302 with glycine.
Molecular consequence: missense variant.
Genome position (GRCh38, 1-based): chr7:82,038,211, T>C on the plus strand (A>G on the coding strand, the complement: CACNA2D1 is on the minus strand). VCF-style: chr7-82038211-T-C. GRCh37 (hg19) VCF-style: chr7-81667527-T-C.
Other names: c.904A>G, p.Ser302Gly (NM_001366867.1); short protein forms S302G.
Identifiers: ClinVar variation 4868103 (VCV004868103.1).

ClinVar aggregate classification (germline): Uncertain significance (1 of 4 stars; one submission).

Conditions:
Cardiovascular phenotype. Identifiers: MedGen CN230736.

Submission:

Ambry Genetics
Classification: Uncertain significance for Cardiovascular phenotype. Last evaluated: 2026-03-29. Review status: criteria provided, single submitter. Criteria: Ambry Variant Classification Scheme 2023. Collection method: clinical testing. Allele origin: germline.
Comment: The p.S302G variant (also known as c.904A>G), located in coding exon 11 of the CACNA2D1 gene, results from an A to G substitution at nucleotide position 904. The serine at codon 302 is replaced by glycine, an amino acid with similar properties. This amino acid position is conserved. In addition, the in silico prediction for this alteration is inconclusive. Based on the available evidence, the clinical significance of this variant remains unclear.